The following is an entry in ClinVar:

NM_001303.4(COX10):c.177+167C>T

Gene: COX10 (cytochrome c oxidase assembly factor heme A:farnesyltransferase COX10; plus strand). Cytogenetic location: 17p12.
Variant type: single nucleotide variant.
Coding change: c.177+167C>T on transcript NM_001303.4 (MANE Select); 167 bases into the intron after coding-DNA position 177, C replaced by T.
Molecular consequence: intron variant.
Genome position (GRCh38, 1-based): chr17:14,074,623, C>T. VCF-style: chr17-14074623-C-T. GRCh37 (hg19) VCF-style: chr17-13977940-C-T.
Identifiers: ClinVar variation 674116 (VCV000674116.1), dbSNP rs114096923, ClinGen allele CA288736518.

ClinVar aggregate classification (germline): Benign (1 of 4 stars; one submission).

Allele frequency attached by ClinVar (database versions not stated): TOPMed 0.02223; 1000 Genomes Project 0.02316; 1000 Genomes Project 30x 0.02358.
gnomAD v4.1: 2,968 of 152,078 alleles (2%); highest among the groups gnomAD compares: African/African-American, 6.6%; 106 homozygotes.

Submission:

GeneDx
Classification: Benign. Last evaluated: 2018-06-19. Review status: criteria provided, single submitter. Criteria: GeneDx Variant Classification (06012015). Collection method: clinical testing. Allele origin: germline. Affected: yes.
Comment: This variant is considered likely benign or benign based on one or more of the following criteria: it is a conservative change, it occurs at a poorly conserved position in the protein, it is predicted to be benign by multiple in silico algorithms, and/or has population frequency not consistent with disease.